The following is an entry in ClinVar:

ClinVar aggregate classification (germline): Pathogenic (0 of 4 stars; one submission).

Conditions:
Autosomal recessive nonsyndromic hearing loss 23. Identifiers: Orphanet 90636, MedGen C1836027, MONDO:0012293, OMIM 609533.
Usher syndrome type 1D (USH1D). Also called: USHER SYNDROME, TYPE ID. Identifiers: Orphanet 231169, Orphanet 886, MedGen C1832845, MONDO:0010984, OMIM 601067.
Usher syndrome type 1F (USH1F). Also called: USHER SYNDROME, TYPE IF. Identifiers: Orphanet 231169, Orphanet 886, MedGen C1865885, MONDO:0011186, OMIM 602083.

Submission:

National Institute on Deafness and Communication Disorders, National Institutes of Health
Classification: Pathogenic for Autosomal recessive nonsyndromic hearing loss 23; Usher syndrome type 1D; Usher syndrome type 1F. Last evaluated: 2020-10-01. Review status: no assertion criteria provided. Collection method: research. Allele origin: germline, paternal. Inheritance: Autosomal recessive inheritance. Affected: yes. Observed: 6 compound heterozygotes. Clinical features observed: Profound childhood hearing loss. Segregation with disease observed.
Comment: was found associated in trans with NM_033056.4:c.1737C>G

NM_001384140.1(PCDH15):c.3667_3668del (p.Ile1223fs)

Gene: PCDH15 (protocadherin related 15; minus strand). Cytogenetic location: 10q21.1.
Variant type: Deletion.
Coding change: c.3667_3668del on transcript NM_001384140.1 (MANE Select); coding-DNA positions 3667 to 3668, 2 bases deleted (AT; older notation c.3667_3668delAT).
Protein change: p.Ile1223fs; shifts the reading frame from isoleucine 1223.
Molecular consequence: frameshift variant.
Genome position (GRCh38, 1-based): chr10:53,866,691-53,866,692, AT deleted on the plus strand (AT on the coding strand, the reverse complement: PCDH15 is on the minus strand); deleting any 2 consecutive bases within chr10:53,866,691-53,866,693 gives the same sequence; the c. name uses the placement nearest the transcript's 3' end. VCF-style (leftmost placement, unchanged base first): chr10-53866690-AAT-A. GRCh37 (hg19) VCF-style: chr10-55626450-AAT-A.
Other names: c.3667_3668delAT (NM_033056.4); c.3682_3683del, p.Ile1228fs (NM_001142763.2, NM_001142771.2); c.3667_3668del, p.Ile1223fs (NM_001142764.2, NM_001142766.2, NM_001142770.3 and 4 more transcripts); c.3454_3455del, p.Ile1152fs (NM_001142765.2); c.3556_3557del, p.Ile1186fs (NM_001142767.2); c.3601_3602del, p.Ile1201fs (NM_001142768.2, NM_001142773.2, NM_001354404.2); c.3702_3703delTA, p.Ile1235Cysfs (NM_001142769.4); c.3688_3689del, p.Ile1230fs (NM_001354411.2); short protein forms I1152fs, I1186fs, I1201fs, I1223fs, I1228fs, I1230fs, I1235fs.
Identifiers: ClinVar variation 1027565 (VCV001027565.2), dbSNP rs2079481708, ClinGen allele CA1910830382.